The following is an entry in ClinVar:

ClinVar aggregate classification (germline): Uncertain significance (1 of 4 stars; one submission).

Allele frequency attached by ClinVar (database versions not stated): TOPMed below 0.00001.

Submission:

Labcorp Genetics (formerly Invitae), Labcorp
Classification: Uncertain significance. Last evaluated: 2022-06-13. Review status: criteria provided, single submitter. Criteria: Invitae Variant Classification Sherloc (09022015). Collection method: clinical testing. Allele origin: germline.
Comment: In summary, the available evidence is currently insufficient to determine the role of this variant in disease. Therefore, it has been classified as a Variant of Uncertain Significance. Algorithms developed to predict the effect of missense changes on protein structure and function output the following: SIFT: "Tolerated"; PolyPhen-2: "Benign"; Align-GVGD: "Class C0". The valine amino acid residue is found in multiple mammalian species, which suggests that this missense change does not adversely affect protein function. This variant has not been reported in the literature in individuals affected with SAMD11-related conditions. This variant is not present in population databases (gnomAD no frequency). This sequence change replaces alanine, which is neutral and non-polar, with valine, which is neutral and non-polar, at codon 496 of the SAMD11 protein (p.Ala496Val).

NM_001385641.1(SAMD11):c.1976C>T (p.Ala659Val)

Gene: SAMD11 (sterile alpha motif domain containing 11; plus strand). Cytogenetic location: 1p36.33.
Variant type: single nucleotide variant.
Coding change: c.1976C>T on transcript NM_001385641.1 (MANE Select); coding-DNA position 1976, C replaced by T.
Protein change: p.Ala659Val; replaces alanine 659 with valine.
Molecular consequence: missense variant.
Genome position (GRCh38, 1-based): chr1:942,981, C>T. VCF-style: chr1-942981-C-T. GRCh37 (hg19) VCF-style: chr1-878361-C-T.
Other names: c.1979C>T, p.Ala660Val (NM_001385640.1); c.1487C>T, p.Ala496Val (NM_152486.4); short protein forms A496V, A660V, A659V.
Identifiers: ClinVar variation 1435904 (VCV001435904.6), dbSNP rs1474653140, ClinGen allele CA337812961.